The following is an entry in ClinVar:

ClinVar aggregate classification (germline): Pathogenic (1 of 4 stars; one submission).

Conditions:
Familial cancer of breast. Also called: Hereditary breast cancer; BREAST CANCER, FAMILIAL; hereditary breast carcinoma. Identifiers: Orphanet 227535, MedGen C0346153, MONDO:0016419, OMIM 114480. Disease mechanism: loss of function.

Submission:

Myriad Genetics, Inc.
Classification: Pathogenic for Familial cancer of breast. Last evaluated: 2023-05-31. Review status: criteria provided, single submitter. Criteria: Myriad Autosomal Dominant, Autosomal Recessive and X-Linked Classification Criteria (2023). Collection method: clinical testing. Allele origin: unknown.
Comment: This variant is considered pathogenic. This variant creates a frameshift predicted to result in premature protein truncation.

NM_032043.3(BRIP1):c.817dup (p.Met273fs)

Gene: BRIP1 (BRCA1 interacting DNA helicase 1; minus strand). Cytogenetic location: 17q23.2.
Variant type: Duplication.
Coding change: c.817dup on transcript NM_032043.3 (MANE Select); coding-DNA position 817, one base duplicated (A; older notation c.817dupA).
Protein change: p.Met273fs; shifts the reading frame from methionine 273.
Molecular consequence: frameshift variant.
Genome position (GRCh38, 1-based): chr17:61,808,568, T duplicated on the plus strand (A on the coding strand, the reverse complement: BRIP1 is on the minus strand); the first of 2 consecutive T bases (chr17:61,808,568-61,808,569); duplicating either gives the same sequence. VCF-style (leftmost placement, unchanged base first): chr17-61808567-A-AT. GRCh37 (hg19) VCF-style: chr17-59885928-A-AT.
Other names: short protein forms M273fs.
Identifiers: ClinVar variation 2583639 (VCV002583639.2), dbSNP rs2545195273, ClinGen allele CA2582342242.